The following is an entry in ClinVar:

NM_001099402.2(CCNK):c.950C>G (p.Ala317Gly)

Genes: CCDC85C (coiled-coil domain containing 85C; minus strand), CCNK (cyclin K; plus strand). Cytogenetic location: 14q32.2.
Variant type: single nucleotide variant.
Coding change: c.950C>G on transcript NM_001099402.2 (MANE Select); coding-DNA position 950, C replaced by G.
Protein change: p.Ala317Gly; replaces alanine 317 with glycine.
Molecular consequence: missense variant. On other transcripts: 3 prime UTR variant (1).
Genome position (GRCh38, 1-based): chr14:99,502,923, C>G. VCF-style: chr14-99502923-C-G. GRCh37 (hg19) VCF-style: chr14-99969260-C-G.
Other names: c.*12323G>C (NM_001144995.2); short protein forms A317G.
Identifiers: ClinVar variation 3338595 (VCV003338595.1).

ClinVar aggregate classification (germline): Uncertain significance (1 of 4 stars; one submission).

gnomAD v4.1: 1 of 1,613,702 alleles (0.000062%); highest among the groups gnomAD compares: African/African-American, 0.0013%; no homozygotes.

Submission:

Greenwood Genetic Center Diagnostic Laboratories, Greenwood Genetic Center
Classification: Uncertain significance. Last evaluated: 2024-04-24. Review status: criteria provided, single submitter. Criteria: ACMG Guidelines, 2015. Collection method: clinical testing. Allele origin: germline. Affected: yes.
Comment: PM2, BP4